The following is an entry in ClinVar:

NM_004415.4(DSP):c.1090A>G (p.Ile364Val)

Gene: DSP (desmoplakin; plus strand). Cytogenetic location: 6p24.3.
Variant type: single nucleotide variant.
Coding change: c.1090A>G on transcript NM_004415.4 (MANE Select); coding-DNA position 1090, A replaced by G.
Protein change: p.Ile364Val; replaces isoleucine 364 with valine.
Molecular consequence: missense variant.
Genome position (GRCh38, 1-based): chr6:7,567,399, A>G. VCF-style: chr6-7567399-A-G. GRCh37 (hg19) VCF-style: chr6-7567632-A-G.
Other names: c.1090A>G, p.Ile364Val (NM_001008844.3, NM_001319034.2); c.1090A>G (LRG_423t1); short protein forms I364V.
Identifiers: ClinVar variation 263729 (VCV000263729.6), dbSNP rs886038909, ClinGen allele CA10587628.

ClinVar aggregate classification (germline): Uncertain significance. Review status: criteria provided, multiple submitters, no conflicts (2 of 4 stars). 2 submissions from 2 submitters: Uncertain significance (2). Last evaluated 2025-01-10.

Conditions:
Cardiovascular phenotype. Identifiers: MedGen CN230736.

Allele frequency attached by ClinVar (database versions not stated): gnomAD exomes below 0.00001; TOPMed below 0.00001.
gnomAD v4.1: 1 of 1,614,122 alleles (0.000062%); highest among the groups gnomAD compares: East Asian, 0.0022%; no homozygotes.

Submissions (2):

Ambry Genetics
Classification: Uncertain significance for Cardiovascular phenotype. Last evaluated: 2025-01-10. Review status: criteria provided, single submitter. Criteria: Ambry Variant Classification Scheme 2023. Collection method: clinical testing. Allele origin: germline.
Comment: The p.I364V variant (also known as c.1090A>G), located in coding exon 9 of the DSP gene, results from an A to G substitution at nucleotide position 1090. The isoleucine at codon 364 is replaced by valine, an amino acid with highly similar properties. This amino acid position is highly conserved in available vertebrate species. In addition, the in silico prediction for this alteration is inconclusive. Based on the available evidence, the clinical significance of this variant remains unclear.

Stanford Center for Inherited Cardiovascular Disease, Stanford University
Classification: Uncertain significance. Review status: criteria provided, single submitter. Criteria: ACMG Guidelines, 2015. Collection method: provider interpretation. Allele origin: germline.